The following is an entry in ClinVar:

ClinVar aggregate classification (germline): Uncertain significance (1 of 4 stars; one submission).

Conditions:
EAST syndrome (SESAMES). Also called: SEIZURES, SENSORINEURAL DEAFNESS, ATAXIA, IMPAIRED INTELLECTUAL DEVELOPMENT, AND ELECTROLYTE IMBALANCE. Identifiers: Orphanet 199343, MedGen C2748572, MONDO:0013005, OMIM 612780.

Submission:

Labcorp Genetics (formerly Invitae), Labcorp
Classification: Uncertain significance for EAST syndrome. Last evaluated: 2025-06-17. Review status: criteria provided, single submitter. Criteria: Invitae Variant Classification Sherloc (09022015). Collection method: clinical testing. Allele origin: germline.
Comment: This sequence change replaces proline, which is neutral and non-polar, with serine, which is neutral and polar, at codon 102 of the KCNJ10 protein (p.Pro102Ser). This variant is not present in population databases (gnomAD no frequency). This variant has not been reported in the literature in individuals affected with KCNJ10-related conditions. ClinVar contains an entry for this variant (Variation ID: 1402638). Invitae Evidence Modeling of protein sequence and biophysical properties (such as structural, functional, and spatial information, amino acid conservation, physicochemical variation, residue mobility, and thermodynamic stability) indicates that this missense variant is not expected to disrupt KCNJ10 protein function with a negative predictive value of 95%. In summary, the available evidence is currently insufficient to determine the role of this variant in disease. Therefore, it has been classified as a Variant of Uncertain Significance.

NM_002241.5(KCNJ10):c.304C>T (p.Pro102Ser)

Gene: KCNJ10 (potassium inwardly rectifying channel subfamily J member 10; minus strand). Cytogenetic location: 1q23.2.
Variant type: single nucleotide variant.
Coding change: c.304C>T on transcript NM_002241.5 (MANE Select); coding-DNA position 304, C replaced by T.
Protein change: p.Pro102Ser; replaces proline 102 with serine.
Molecular consequence: missense variant.
Genome position (GRCh38, 1-based): chr1:160,042,229, G>A on the plus strand (C>T on the coding strand, the complement: KCNJ10 is on the minus strand). VCF-style: chr1-160042229-G-A. GRCh37 (hg19) VCF-style: chr1-160012019-G-A.
Other names: short protein forms P102S.
Identifiers: ClinVar variation 1402638 (VCV001402638.8), dbSNP rs1424578559, ClinGen allele CA343228746.
Genomic context (GRCh38, chr1:160,042,229, plus strand): 5'-AGAAGAGGAAGGCTCCAGTGAGTGTGTGCACCTGTACCACACAGGGGGTGTGGTTGGCCG[G>A]GGGGTCCAGCTCCAGCAGGTCCCCATGTGCCACAGCTACCAGATACCACACCACGCCAAA-3'
Protein context (NP_002232.2, residues 92-112): AHGDLLELDP[Pro102Ser]ANHTPCVVQV